The following is an entry in ClinVar:

ClinVar aggregate classification (germline): Uncertain significance. Review status: criteria provided, multiple submitters, no conflicts (2 of 4 stars). 5 submissions from 4 submitters: Uncertain significance (4). 1 of the submissions does not count toward it. Last evaluated 2024-10-29.

Conditions:
Weill-Marchesani syndrome. Also called: WM Syndrome; Mesodermal dysmorphodystrophy congenital. Identifiers: Orphanet 3449, MedGen C0265313, MONDO:0018096.
LTBP2-related disorder. Also called: LTBP2-related condition; LTBP2-related disorders.
Glaucoma 3, primary congenital, D. Identifiers: Orphanet 98976, MedGen C2751316, MONDO:0013122, OMIM 613086.
Weill-Marchesani syndrome 3 (WMS3). Also called: LTBP2-Related Weill-Marchesani Syndrome; Weill-Marchesani syndrome 3, recessive. Identifiers: Orphanet 3449, MedGen C3553785, MONDO:0013899, OMIM 614819.
Glaucoma 3, primary infantile, B. Also called: GLAUCOMA, PRIMARY CONGENITAL, TYPE B; GLC3B; GLC3 type B; Primary congenital glaucoma type 3B; Glaucoma primary congenita type 3B. Identifiers: Orphanet 98976, MedGen C1832977, MONDO:0010968, OMIM 600975.
Microspherophakia and/or megalocornea, with ectopia lentis and with or without secondary glaucoma (MSPKA). Identifiers: Orphanet 238763, MedGen C3538951, MONDO:0009633, OMIM 251750.

Allele frequency attached by ClinVar (database versions not stated): gnomAD exomes 0.00004 and 0.00009; ExAC 0.00017; ESP Exome Variant Server 0.00031; gnomAD 0.00032 and 0.00028; TOPMed 0.00039; 1000 Genomes Project 0.00020; 1000 Genomes Project 30x 0.00047.
gnomAD v4.1: 106 of 1,599,682 alleles (0.0066%); highest among the groups gnomAD compares: African/African-American, 0.12%; 1 homozygote.

Submissions (5):

Labcorp Genetics (formerly Invitae), Labcorp
Classification: Uncertain significance. Last evaluated: 2024-10-29. Review status: criteria provided, single submitter. Criteria: Invitae Variant Classification Sherloc (09022015). Collection method: clinical testing. Allele origin: germline.
Comment: This sequence change replaces glutamine, which is neutral and polar, with arginine, which is basic and polar, at codon 196 of the LTBP2 protein (p.Gln196Arg). This variant is present in population databases (rs374099324, gnomAD 0.1%). This variant has not been reported in the literature in individuals affected with LTBP2-related conditions. ClinVar contains an entry for this variant (Variation ID: 885925). An algorithm developed to predict the effect of missense changes on protein structure and function (PolyPhen-2) suggests that this variant is likely to be disruptive. In summary, the available evidence is currently insufficient to determine the role of this variant in disease. Therefore, it has been classified as a Variant of Uncertain Significance.

Fulgent Genetics
Classification: Uncertain significance for Microspherophakia and/or megalocornea, with ectopia lentis and with or without secondary glaucoma; Glaucoma 3, primary infantile, B; Glaucoma 3, primary congenital, D; Weill-Marchesani syndrome 3. Last evaluated: 2021-10-08. Review status: criteria provided, single submitter. Criteria: ACMG Guidelines, 2015. Collection method: clinical testing. Allele origin: unknown.

Illumina Laboratory Services, Illumina
Classification: Uncertain significance for Weill-Marchesani syndrome. Last evaluated: 2018-01-13. Review status: criteria provided, single submitter. Criteria: ICSL Variant Classification Criteria 13 December 2019. Collection method: clinical testing. Allele origin: germline.

Illumina Laboratory Services, Illumina
Classification: Uncertain significance for Glaucoma 3, primary congenital, D. Last evaluated: 2018-01-13. Review status: criteria provided, single submitter. Criteria: ICSL Variant Classification Criteria 13 December 2019. Collection method: clinical testing. Allele origin: germline.

PreventionGenetics, part of Exact Sciences
Classification: Uncertain significance for LTBP2-related condition. Last evaluated: 2024-09-18. Review status: no assertion criteria provided. Collection method: clinical testing. Allele origin: germline. Not counted in ClinVar's aggregate classification.
Comment: The LTBP2 c.587A>G variant is predicted to result in the amino acid substitution p.Gln196Arg. To our knowledge, this variant has not been reported in the literature. This variant is reported in 0.12% of alleles in individuals of African descent in gnomAD including one homozygous individual in the latest dataset. Although we suspect that this variant may be benign, at this time, the clinical significance of this variant is uncertain due to the absence of conclusive functional and genetic evidence.

NM_000428.3(LTBP2):c.587A>G (p.Gln196Arg)

Gene: LTBP2 (latent transforming growth factor beta binding protein 2; minus strand). Cytogenetic location: 14q24.3.
Variant type: single nucleotide variant.
Coding change: c.587A>G on transcript NM_000428.3 (MANE Select); coding-DNA position 587, A replaced by G.
Protein change: p.Gln196Arg; replaces glutamine 196 with arginine.
Molecular consequence: missense variant.
Genome position (GRCh38, 1-based): chr14:74,586,097, T>C on the plus strand (A>G on the coding strand, the complement: LTBP2 is on the minus strand). VCF-style: chr14-74586097-T-C. GRCh37 (hg19) VCF-style: chr14-75052800-T-C.
Other names: short protein forms Q196R.
Identifiers: ClinVar variation 885925 (VCV000885925.10), dbSNP rs374099324, ClinGen allele CA7270133.